The following is an entry in ClinVar:

ClinVar aggregate classification (germline): Benign/Likely benign. Review status: criteria provided, multiple submitters, no conflicts (2 of 4 stars). 4 submissions from 4 submitters: Benign (1); Likely benign (3). Last evaluated 2026-01-28.

Conditions:
Congenital ichthyosis of skin. Identifiers: MedGen C0020758.

Allele frequency attached by ClinVar (database versions not stated): gnomAD exomes 0.00048 and 0.00132; ExAC 0.00162; gnomAD 0.00416 and 0.00446; 1000 Genomes Project 30x 0.00437; 1000 Genomes Project 0.00459; TOPMed 0.00471; ESP Exome Variant Server 0.00507.
gnomAD v4.1: 1,382 of 1,613,558 alleles (0.086%); highest among the groups gnomAD compares: African/African-American, 1.4%; 10 homozygotes.

Submissions (4):

Labcorp Genetics (formerly Invitae), Labcorp
Classification: Benign. Last evaluated: 2026-01-28. Review status: criteria provided, single submitter. Criteria: Invitae Variant Classification Sherloc (09022015). Collection method: clinical testing. Allele origin: germline.

Blueprint Genetics
Classification: Likely benign. Last evaluated: 2024-09-13. Review status: criteria provided, single submitter. Criteria: ACMG Guidelines, 2015. Collection method: clinical testing. Allele origin: germline.

Illumina Laboratory Services, Illumina
Classification: Likely benign for Congenital ichthyosis of skin. Last evaluated: 2018-01-12. Review status: criteria provided, single submitter. Criteria: ICSL Variant Classification Criteria 13 December 2019. Collection method: clinical testing. Allele origin: germline.
Comment: This variant was observed in the ICSL laboratory as part of a predisposition screen in an ostensibly healthy population. It had not been previously curated by ICSL or reported in the Human Gene Mutation Database (HGMD: prior to June 1st, 2018), and was therefore a candidate for classification through an automated scoring system. Utilizing variant allele frequency, disease prevalence and penetrance estimates, and inheritance mode, an automated score was calculated to assess if this variant is too frequent to cause the disease. Based on the score and internal cut-off values, a variant classified as likely benign is not then subjected to further curation. The score for this variant resulted in a classification of likely benign for this disease.

Breakthrough Genomics
Classification: Likely benign. Review status: criteria provided, single submitter. Criteria: ACMG Guidelines, 2015. Collection method: not provided. Allele origin: germline. Inheritance: Autosomal recessive inheritance. Affected: yes.

NM_173076.3(ABCA12):c.549A>G (p.Glu183=)

Gene: ABCA12 (ATP binding cassette subfamily A member 12; minus strand). Cytogenetic location: 2q35.
Variant type: single nucleotide variant.
Coding change: c.549A>G on transcript NM_173076.3 (MANE Select); coding-DNA position 549, A replaced by G.
Protein change: p.Glu183=; no amino-acid change (glutamic acid 183 retained).
Molecular consequence: synonymous variant. On other transcripts: non-coding transcript variant (1).
Genome position (GRCh38, 1-based): chr2:215,049,770, T>C on the plus strand (A>G on the coding strand, the complement: ABCA12 is on the minus strand). VCF-style: chr2-215049770-T-C. GRCh37 (hg19) VCF-style: chr2-215914494-T-C.
Identifiers: ClinVar variation 709630 (VCV000709630.15), dbSNP rs150977019, ClinGen allele CA2092496.